The following is an entry in ClinVar:

NM_016239.4(MYO15A):c.10252TTC[2] (p.Phe3420del)

Gene: MYO15A (myosin XVA; plus strand). Cytogenetic location: 17p11.2.
Variant type: Microsatellite.
Coding change: c.10252TTC[2] on transcript NM_016239.4 (MANE Select); two copies in a row of the 3-base unit TTC starting at c.10252; the reference has three copies in a row; one copy, 3 bases deleted; also written c.10258_10260del.
Protein change: p.Phe3420del; deletes phenylalanine 3420.
Molecular consequence: inframe deletion.
Genome position (GRCh38, 1-based): chr17:18,172,198-18,172,200, TTC deleted; deleting any 3 consecutive bases within chr17:18,172,191-18,172,200 gives the same sequence; the position shown is the placement nearest the transcript's 3' end. VCF-style (leftmost placement, unchanged base first): chr17-18172190-CCTT-C. GRCh37 (hg19) VCF-style: chr17-18075504-CCTT-C.
Other names: c.10258_10260delTTC (NM_016239.4); c.10251_10253delCTT (NM_016239.4); c.10258_10260del (NM_016239.3, NM_016239.4); short protein forms F3420del.
Identifiers: ClinVar variation 1301940 (VCV001301940.11), dbSNP rs1174503300, ClinGen allele CA625047872.

ClinVar aggregate classification (germline): Pathogenic/Likely pathogenic. Review status: criteria provided, multiple submitters, no conflicts (2 of 4 stars). 7 submissions from 7 submitters: Pathogenic (5); Likely pathogenic (2). Last evaluated 2025-11-06.

Conditions:
MYO15A-related disorder. Also called: MYO15A-related condition.
Monogenic hearing loss.
Autosomal recessive nonsyndromic hearing loss 3. Also called: NEUROSENSORY NONSYNDROMIC RECESSIVE DEAFNESS 3. Identifiers: Orphanet 90636, MedGen C1838263, MONDO:0010860, OMIM 600316.

Submissions (7):

GeneDx
Classification: Pathogenic. Last evaluated: 2025-11-06. Review status: criteria provided, single submitter. Criteria: GeneDx Variant Classification Process June 2021. Collection method: clinical testing. Allele origin: germline.
Comment: In silico analysis supports a deleterious effect on protein structure/function; Reported as c.10251_10253delCTT using alternate nomenclature in some cases; In-frame deletion of 1 amino acid in a non-repeat region; This variant is associated with the following publications: (PMID: 30682115, 31992338, 30068307, 31250571, 38374194, 35346193, 34974475, 36597107, 36504663, 35982127, 30953472, 23767834, 34599366)

Genetics Laboratory, Great Ormond Street Hospital NHS Foundation Trust, North Thames Genomic Laboratory Hub
Classification: Likely pathogenic for Monogenic hearing loss. Last evaluated: 2025-08-01. Review status: criteria provided, single submitter. Criteria: ACGS Best Practice Guidelines for Variant Classification in Rare Disease 2024 v1.2. Collection method: clinical testing. Allele origin: germline. Affected: yes.
Comment: PM2_moderate, PM4_supporting, PM3_strong

ENT and Head and Neck Research Center and Department,  The Five Senses Health Institute, Iran University of Medical Sciences
Classification: Likely pathogenic for Autosomal recessive nonsyndromic hearing loss 3. Last evaluated: 2024-11-02. Review status: criteria provided, single submitter. Criteria: ClinGen HL ACMG Specifications v1. Collection method: clinical testing. Allele origin: germline. Affected: yes.
Comment: PM3: For recessive disorders, identifying a variant in trans, PM4: Protein length change due to an in-frame deletion or insertion that are not located in repetitive regions, PP3: The position is conserved (phyloP = 7.93 is between 7.52 and 9.88). No other in-silico engine is available., PM2: GnomAD genomes homozygous allele count = 0 is less than 2 for AR gene MYO15A, good gnomAD genomes coverage = 31.6, PP5: Combined evidence strength is Supporting (score = 1).Supporting: ClinVar classifies this variant as Pathogenic, 2 stars (reviewed Feb '24, 2 submissions), citing 3 articles (31250571, 30953472 and 30068307).

Labcorp Genetics (formerly Invitae), Labcorp
Classification: Pathogenic. Last evaluated: 2023-10-28. Review status: criteria provided, single submitter. Criteria: Invitae Variant Classification Sherloc (09022015). Collection method: clinical testing. Allele origin: germline.
Comment: This variant, c.10258_10260del, results in the deletion of 1 amino acid(s) of the MYO15A protein (p.Phe3420del), but otherwise preserves the integrity of the reading frame. This variant is present in population databases (no rsID available, gnomAD 0.01%). This variant has been observed in individual(s) with deafness (PMID: 30068307, 30953472, 31250571). In at least one individual the data is consistent with being in trans (on the opposite chromosome) from a pathogenic variant. It has also been observed to segregate with disease in related individuals. For these reasons, this variant has been classified as Pathogenic.

Blueprint Genetics
Classification: Pathogenic for MYO15A-related disorders. Last evaluated: 2022-06-22. Review status: criteria provided, single submitter. Criteria: ACMG Guidelines, 2015. Collection method: clinical testing. Allele origin: germline. Affected: yes. Observed: 5 variant alleles.

Juno Genomics, Hangzhou Juno Genomics, Inc
Classification: Pathogenic for Autosomal recessive nonsyndromic hearing loss 3. Review status: criteria provided, single submitter. Criteria: ACMG Guidelines, 2015. Collection method: clinical testing. Allele origin: germline.
Comment: Protein length changes due to in-frame deletions/insertions in a non-repeat region or stop-loss variants.;For recessive disorders, detected in trans with a pathogenic variant.

Molecular Diagnosis Center for Deafness
Classification: Pathogenic for Autosomal recessive nonsyndromic hearing loss 3. Review status: criteria provided, single submitter. Criteria: ClinGen HL ACMG Specifications v1. Collection method: clinical testing. Allele origin: maternal. Observed: 9 variant alleles.

Literature cited by the submitters: DOI 10.1038/s41598-025-99417-7 (cited by ENT and Head and Neck Research Center and Department,  The Five Senses Health Institute, Iran University of Medical Sciences); PubMed 30068307 (cited by Labcorp Genetics (formerly Invitae), Labcorp); PubMed 30953472 (cited by Labcorp Genetics (formerly Invitae), Labcorp); PubMed 31250571 (cited by Labcorp Genetics (formerly Invitae), Labcorp).